The following is an entry in ClinVar:

ClinVar aggregate classification (germline): Uncertain significance (1 of 4 stars; one submission).

Conditions:
BBS12-related disorder. Also called: BBS12-related condition.

gnomAD v4.1: 4 of 1,614,164 alleles (0.00025%); highest among the groups gnomAD compares: Non-Finnish European, 0.00025%; no homozygotes.

Submission:

PreventionGenetics, part of Exact Sciences
Classification: Uncertain significance for BBS12-related condition. Last evaluated: 2026-07-21. Review status: criteria provided, single submitter. Criteria: ACMG Guidelines, 2015. Collection method: clinical testing. Allele origin: germline.
Comment: The BBS12 c.176G>A variant is predicted to result in the amino acid substitution p.Ser59Asn. To our knowledge, this variant has not been reported in the literature or in a large population database (gnomAD), indicating this variant is rare. At this time, the clinical significance of this variant is uncertain due to the absence of conclusive functional and genetic evidence.

NM_152618.3(BBS12):c.176G>A (p.Ser59Asn)

Gene: BBS12 (Bardet-Biedl syndrome 12; plus strand). Cytogenetic location: 4q27.
Variant type: single nucleotide variant.
Coding change: c.176G>A on transcript NM_152618.3 (MANE Select); coding-DNA position 176, G replaced by A.
Protein change: p.Ser59Asn; replaces serine 59 with asparagine.
Molecular consequence: missense variant.
Genome position (GRCh38, 1-based): chr4:122,742,068, G>A. VCF-style: chr4-122742068-G-A. GRCh37 (hg19) VCF-style: chr4-123663223-G-A.
Other names: c.176G>A, p.Ser59Asn (NM_001178007.2); short protein forms S59N.
Identifiers: ClinVar variation 4979509 (VCV004979509.1).